The following is an entry in ClinVar:

NM_006420.3(ARFGEF2):c.3177G>A (p.Ser1059=)

Gene: ARFGEF2 (ARF guanine nucleotide exchange factor 2; plus strand). Cytogenetic location: 20q13.13.
Variant type: single nucleotide variant.
Coding change: c.3177G>A on transcript NM_006420.3 (MANE Select); coding-DNA position 3177, G replaced by A.
Protein change: p.Ser1059=; no amino-acid change (serine 1059 retained).
Molecular consequence: synonymous variant.
Genome position (GRCh38, 1-based): chr20:48,995,838, G>A. VCF-style: chr20-48995838-G-A. GRCh37 (hg19) VCF-style: chr20-47612375-G-A.
Other names: p.S1059S:TCG>TCA; p.Ser1059=.
Identifiers: ClinVar variation 128436 (VCV000128436.46), dbSNP rs61748373, ClinGen allele CA151891.
Genomic context (GRCh38, chr20:48,995,838, plus strand): 5'-TTCAGGTAATTTGGTGAGTGGCGGAGTGGATAAAAGACAGATGGCCAGCTTCCAAGAATC[G>A]GTTGGTGAGACCAGCTCGCAGAGTGTGGTTGTAGCTGTGGACAGGTAATGATTTTATTCT-3'
Protein context (NP_006411.2, residues 1049-1069): DKRQMASFQE[Ser1059=]VGETSSQSVV

ClinVar aggregate classification (germline): Conflicting classifications of pathogenicity. Review status: criteria provided, conflicting classifications (1 of 4 stars). 7 submissions from 7 submitters: Uncertain significance (1); Benign (6). Last evaluated 2026-09-01.

Conditions:
Periventricular heterotopia with microcephaly, autosomal recessive (ARPHM). Also called: PERIVENTRICULAR NODULAR HETEROTOPIA 2; Periventricular heterotopia with microcephaly. Identifiers: Orphanet 2149, MedGen C1842563, MONDO:0011966, OMIM 608097.

Allele frequency attached by ClinVar (database versions not stated): 1000 Genomes Project 30x 0.00562; 1000 Genomes Project 0.00619; TOPMed 0.00711; ESP Exome Variant Server 0.00815.
gnomAD v4.1: 16,754 of 1,614,148 alleles (1%); highest among the groups gnomAD compares: Non-Finnish European, 1.2%; 98 homozygotes.

Submissions (7):

CeGaT Center for Human Genetics Tuebingen
Classification: Benign. Last evaluated: 2026-09-01. Review status: criteria provided, single submitter. Criteria: CeGaT Center For Human Genetics Tuebingen Variant Classification Criteria Version 2. Collection method: clinical testing. Allele origin: germline. Affected: yes. Observed: 17 variant alleles.
Comment: ARFGEF2: BP4, BP7, BS1, BS2

Labcorp Genetics (formerly Invitae), Labcorp
Classification: Benign. Last evaluated: 2026-01-26. Review status: criteria provided, single submitter. Criteria: Invitae Variant Classification Sherloc (09022015). Collection method: clinical testing. Allele origin: germline.

Athena Diagnostics
Classification: Benign. Last evaluated: 2024-04-05. Review status: criteria provided, single submitter. Criteria: Athena Diagnostics Criteria. Collection method: clinical testing. Allele origin: unknown.

Mayo Clinic Laboratories, Mayo Clinic
Classification: Benign. Last evaluated: 2020-10-05. Review status: criteria provided, single submitter. Criteria: ACMG Guidelines, 2015. Collection method: clinical testing. Allele origin: germline. Observed: 8 variant alleles.

Illumina Laboratory Services, Illumina
Classification: Uncertain significance for Periventricular heterotopia with microcephaly, autosomal recessive. Last evaluated: 2018-01-12. Review status: criteria provided, single submitter. Criteria: ICSL Variant Classification Criteria 13 December 2019. Collection method: clinical testing. Allele origin: germline.

Genetic Services Laboratory, University of Chicago
Classification: Benign. Last evaluated: 2015-05-21. Review status: criteria provided, single submitter. Criteria: ACMG Guidelines, 2015. Collection method: clinical testing. Allele origin: germline.

GeneDx
Classification: Benign. Last evaluated: 2014-01-30. Review status: criteria provided, single submitter. Criteria: GeneDx Variant Classification (06012015). Collection method: clinical testing. Allele origin: germline. Affected: yes.
Comment: This variant is considered likely benign or benign based on one or more of the following criteria: it is a conservative change, it occurs at a poorly conserved position in the protein, it is predicted to be benign by multiple in silico algorithms, and/or has population frequency not consistent with disease.

Literature cited by the submitters: PubMed 28569743 (cited by Athena Diagnostics).